The following is an entry in ClinVar:

NM_006493.2(CLN5):c.77C>A (p.Ala26Glu)

Gene: CLN5 (CLN5 lysosomal BMP synthase; plus strand). Cytogenetic location: 13q22.3.
Variant type: single nucleotide variant.
Coding change: c.77C>A on transcript NM_006493.2; coding-DNA position 77, C replaced by A.
Protein change: p.Ala26Glu; replaces alanine 26 with glutamic acid.
Molecular consequence: missense variant.
Genome position (GRCh38, 1-based): chr13:76,992,028, C>A. VCF-style: chr13-76992028-C-A. GRCh37 (hg19) VCF-style: chr13-77566163-C-A.
Identifiers: ClinVar variation 193343 (VCV000193343.7), dbSNP rs794726928, ClinGen allele CA238867.

ClinVar aggregate classification (germline): Uncertain significance. Review status: criteria provided, multiple submitters, no conflicts (2 of 4 stars). 2 submissions from 2 submitters: Uncertain significance (2). Last evaluated 2018-01-26.

Conditions:
Inborn genetic diseases. Identifiers: MedGen C0950123, MeSH D030342.

Allele frequency attached by ClinVar (database versions not stated): gnomAD exomes below 0.00001; TOPMed below 0.00001.

Submissions (2):

Ambry Genetics
Classification: Uncertain significance for Inborn genetic diseases. Last evaluated: 2018-01-26. Review status: criteria provided, single submitter. Criteria: Ambry Variant Classification Scheme 2023. Collection method: clinical testing. Allele origin: germline.
Comment: The p.A26E variant (also known as c.77C>A), located in coding exon 1 of the CLN5 gene, results from a C to A substitution at nucleotide position 77. The alanine at codon 26 is replaced by glutamic acid, an amino acid with dissimilar properties. This amino acid position is not conserved on limited sequence alignment. In addition, this alteration is predicted to be and deleterious by PolyPhen and SIFT in silico analyses, respectively. Since supporting evidence is limited at this time, the clinical significance of this alteration remains unclear.

Eurofins Ntd Llc (ga)
Classification: Uncertain significance. Last evaluated: 2014-06-26. Review status: criteria provided, single submitter. Criteria: EGL Classification Definitions 2015. Collection method: clinical testing. Allele origin: germline. Observed: 1 variant allele, 1 heterozygote.